The following is an entry in ClinVar:

ClinVar aggregate classification (germline): Uncertain significance (1 of 4 stars; one submission).

Allele frequency attached by ClinVar (database versions not stated): gnomAD exomes below 0.00001; ExAC 0.00001.
gnomAD v4.1: 2 of 1,613,384 alleles (0.00012%); highest among the groups gnomAD compares: Admixed American, 0.0033%; no homozygotes.

Submission:

Labcorp Genetics (formerly Invitae), Labcorp
Classification: Uncertain significance. Last evaluated: 2023-11-27. Review status: criteria provided, single submitter. Criteria: Invitae Variant Classification Sherloc (09022015). Collection method: clinical testing. Allele origin: germline.
Comment: This sequence change replaces serine, which is neutral and polar, with asparagine, which is neutral and polar, at codon 492 of the PNPT1 protein (p.Ser492Asn). This variant is present in population databases (rs747869391, gnomAD 0.003%). This variant has not been reported in the literature in individuals affected with PNPT1-related conditions. ClinVar contains an entry for this variant (Variation ID: 1378598). Advanced modeling of protein sequence and biophysical properties (such as structural, functional, and spatial information, amino acid conservation, physicochemical variation, residue mobility, and thermodynamic stability) performed at Invitae indicates that this missense variant is expected to disrupt PNPT1 protein function with a positive predictive value of 80%. In summary, the available evidence is currently insufficient to determine the role of this variant in disease. Therefore, it has been classified as a Variant of Uncertain Significance.

NM_033109.5(PNPT1):c.1475G>A (p.Ser492Asn)

Gene: PNPT1 (polyribonucleotide nucleotidyltransferase 1; minus strand). Cytogenetic location: 2p16.1.
Variant type: single nucleotide variant.
Coding change: c.1475G>A on transcript NM_033109.5 (MANE Select); coding-DNA position 1475, G replaced by A.
Protein change: p.Ser492Asn; replaces serine 492 with asparagine.
Molecular consequence: missense variant.
Genome position (GRCh38, 1-based): chr2:55,654,920, C>T on the plus strand (G>A on the coding strand, the complement: PNPT1 is on the minus strand). VCF-style: chr2-55654920-C-T. GRCh37 (hg19) VCF-style: chr2-55882055-C-T.
Other names: short protein forms S492N.
Identifiers: ClinVar variation 1378598 (VCV001378598.6), dbSNP rs747869391, ClinGen allele CA1668057.
Genomic context (GRCh38, chr2:55,654,920, plus strand): 5'-CATGAGCAATATCAGCAGTTTTGAGACATAATTCTTTTACCTGAATCCATTAATGCTAAA[C>T]TTCCGCCACATGCAGATGCCATAGAAGATGACCCTATAGAAAGAAAAATAACTGCTTTAT-3'
Protein context (NP_149100.2, residues 482-502): SSSMASACGG[Ser492Asn]LALMDSGVPI